The following is an entry in ClinVar:

NM_018124.4(RFWD3):c.504G>T (p.Arg168Ser)

Gene: RFWD3 (ring finger and WD repeat domain 3; minus strand). Cytogenetic location: 16q23.1.
Variant type: single nucleotide variant.
Coding change: c.504G>T on transcript NM_018124.4 (MANE Select); coding-DNA position 504, G replaced by T.
Protein change: p.Arg168Ser; replaces arginine 168 with serine.
Molecular consequence: missense variant. On other transcripts: 5 prime UTR variant (4), intron variant (1).
Genome position (GRCh38, 1-based): chr16:74,660,946, C>A on the plus strand (G>T on the coding strand, the complement: RFWD3 is on the minus strand). VCF-style: chr16-74660946-C-A. GRCh37 (hg19) VCF-style: chr16-74694844-C-A.
Other names: c.504G>T, p.Arg168Ser (NM_001370534.1, NM_001370535.1, NM_001370536.1); c.-505G>T (NM_001370537.1); c.-128G>T (NM_001370539.1); c.-382G>T (NM_001370542.1); c.-260G>T (NM_001370543.1); c.-317+3678G>T (NM_001370540.1); short protein forms R168S.
Identifiers: ClinVar variation 3686564 (VCV003686564.2).

ClinVar aggregate classification (germline): Uncertain significance (1 of 4 stars; one submission).

Submission:

Labcorp Genetics (formerly Invitae), Labcorp
Classification: Uncertain significance. Last evaluated: 2024-12-05. Review status: criteria provided, single submitter. Criteria: Invitae Variant Classification Sherloc (09022015). Collection method: clinical testing. Allele origin: germline.
Comment: This sequence change replaces arginine, which is basic and polar, with serine, which is neutral and polar, at codon 168 of the RFWD3 protein (p.Arg168Ser). This variant is present in population databases (no rsID available, gnomAD 0.007%). This variant has not been reported in the literature in individuals affected with RFWD3-related conditions. An algorithm developed to predict the effect of missense changes on protein structure and function (PolyPhen-2) suggests that this variant is likely to be disruptive. In summary, the available evidence is currently insufficient to determine the role of this variant in disease. Therefore, it has been classified as a Variant of Uncertain Significance.